The following is an entry in ClinVar:

ClinVar aggregate classification (germline): Uncertain significance. Review status: criteria provided, multiple submitters, no conflicts (2 of 4 stars). 2 submissions from 2 submitters: Uncertain significance (2). Last evaluated 2026-01-11.

Conditions:
Simpson-Golabi-Behmel syndrome type 1 (SGBS1). Also called: GPC3-Related Simpson-Golabi-Behmel Syndrome Type 1; SIMPSON DYSMORPHIA SYNDROME; BULLDOG SYNDROME; DYSPLASIA GIGANTISM SYNDROME, X-LINKED; GOLABI-ROSEN SYNDROME. Identifiers: Orphanet 373, MedGen C0796154, MONDO:0020602, OMIM 312870.
Wilms tumor 1 (WT1). Also called: Wilms tumor, somatic. Identifiers: Orphanet 654, MedGen CN033288, MONDO:0008679, OMIM 194070.

Allele frequency attached by ClinVar (database versions not stated): gnomAD exomes below 0.00001; TOPMed 0.00002.
gnomAD v4.1: 1 of 1,209,100 alleles (0.000083%); highest among the groups gnomAD compares: African/African-American, 0.0017%; no homozygotes.

Submissions (2):

Labcorp Genetics (formerly Invitae), Labcorp
Classification: Uncertain significance for Wilms tumor 1. Last evaluated: 2026-01-11. Review status: criteria provided, single submitter. Criteria: Invitae Variant Classification Sherloc (09022015). Collection method: clinical testing. Allele origin: germline.
Comment: This sequence change replaces glutamic acid, which is acidic and polar, with lysine, which is basic and polar, at codon 305 of the GPC3 protein (p.Glu305Lys). This variant is not present in population databases (gnomAD no frequency). This variant has not been reported in the literature in individuals affected with GPC3-related conditions. ClinVar contains an entry for this variant (Variation ID: 575501). Invitae Evidence Modeling of protein sequence and biophysical properties (such as structural, functional, and spatial information, amino acid conservation, physicochemical variation, residue mobility, and thermodynamic stability) indicates that this missense variant is not expected to disrupt GPC3 protein function with a negative predictive value of 80%. In summary, the available evidence is currently insufficient to determine the role of this variant in disease. Therefore, it has been classified as a Variant of Uncertain Significance.

Fulgent Genetics
Classification: Uncertain significance for Wilms tumor 1; Simpson-Golabi-Behmel syndrome type 1. Last evaluated: 2021-07-26. Review status: criteria provided, single submitter. Criteria: ACMG Guidelines, 2015. Collection method: clinical testing. Allele origin: unknown.

NM_004484.4(GPC3):c.913G>A (p.Glu305Lys)

Gene: GPC3 (glypican 3; minus strand). Cytogenetic location: Xq26.2.
Variant type: single nucleotide variant.
Coding change: c.913G>A on transcript NM_004484.4 (MANE Select); coding-DNA position 913, G replaced by A.
Protein change: p.Glu305Lys; replaces glutamic acid 305 with lysine.
Molecular consequence: missense variant.
Genome position (GRCh38, 1-based): chrX:133,753,601, C>T on the plus strand (G>A on the coding strand, the complement: GPC3 is on the minus strand). VCF-style: chrX-133753601-C-T. GRCh37 (hg19) VCF-style: chrX-132887628-C-T.
Other names: c.913G>A, p.Glu305Lys (NM_001164617.2); c.865G>A, p.Glu289Lys (NM_001164618.2); c.751G>A, p.Glu251Lys (NM_001164619.2); short protein forms E305K, E251K, E289K.
Identifiers: ClinVar variation 575501 (VCV000575501.10), dbSNP rs903266102, ClinGen allele CA335981504.